The following is an entry in ClinVar:

ClinVar aggregate classification (germline): Likely benign. Review status: criteria provided, multiple submitters, no conflicts (2 of 4 stars). 2 submissions from 2 submitters: Likely benign (2). Last evaluated 2025-05-19.

Conditions:
Joubert syndrome 23 (JBTS23). Identifiers: Orphanet 475, MedGen C4084822, MONDO:0014664, OMIM 616490.
Short-rib thoracic dysplasia 14 with polydactyly (SRTD14). Identifiers: Orphanet 397715, MedGen C4225286, MONDO:0014688, OMIM 616546.

Allele frequency attached by ClinVar (database versions not stated): TOPMed 0.00002; ExAC 0.00003; gnomAD exomes 0.00003; gnomAD 0.00004; ESP Exome Variant Server 0.00008; 1000 Genomes Project 30x 0.00031.
gnomAD v4.1: 56 of 1,613,778 alleles (0.0035%); highest among the groups gnomAD compares: Non-Finnish European, 0.0043%; no homozygotes.

Submissions (2):

Labcorp Genetics (formerly Invitae), Labcorp
Classification: Likely benign for Joubert syndrome 23; Short-rib thoracic dysplasia 14 with polydactyly. Last evaluated: 2025-05-19. Review status: criteria provided, single submitter. Criteria: Invitae Variant Classification Sherloc (09022015). Collection method: clinical testing. Allele origin: germline.

CeGaT Center for Human Genetics Tuebingen
Classification: Likely benign. Last evaluated: 2022-10-01. Review status: criteria provided, single submitter. Criteria: CeGaT Center For Human Genetics Tuebingen Variant Classification Criteria Version 2. Collection method: clinical testing. Allele origin: germline. Affected: yes. Observed: 1 variant allele.
Comment: KIAA0586: BP4, BP7

NM_001329943.3(KIAA0586):c.3729C>T (p.Pro1243=)

Gene: KIAA0586 (KIAA0586; plus strand). Cytogenetic location: 14q23.1.
Variant type: single nucleotide variant.
Coding change: c.3729C>T on transcript NM_001329943.3 (MANE Select); coding-DNA position 3729, C replaced by T.
Protein change: p.Pro1243=; no amino-acid change (proline 1243 retained).
Molecular consequence: synonymous variant.
Genome position (GRCh38, 1-based): chr14:58,488,822, C>T. VCF-style: chr14-58488822-C-T. GRCh37 (hg19) VCF-style: chr14-58955540-C-T.
Other names: c.3888C>T, p.Pro1296= (NM_001244189.2); c.3684C>T, p.Pro1228= (NM_001244190.2); c.3474C>T, p.Pro1158= (NM_001244191.2, NM_001329945.2, NM_001364700.1 and 1 more transcripts); c.3597C>T, p.Pro1199= (NM_001244192.2); c.3309C>T, p.Pro1103= (NM_001244193.2); c.3729C>T, p.Pro1243= (NM_001329944.2, NM_001329946.2, NM_001329947.2); c.3501C>T, p.Pro1167= (NM_014749.5).
Identifiers: ClinVar variation 1144786 (VCV001144786.32), dbSNP rs377467641, ClinGen allele CA7206244.